The following is an entry in ClinVar:

NM_013382.7(POMT2):c.1423C>A (p.Arg475Ser)

Gene: POMT2 (protein O-mannosyltransferase 2; minus strand). Cytogenetic location: 14q24.3.
Variant type: single nucleotide variant.
Coding change: c.1423C>A on transcript NM_013382.7 (MANE Select); coding-DNA position 1423, C replaced by A.
Protein change: p.Arg475Ser; replaces arginine 475 with serine.
Molecular consequence: missense variant.
Genome position (GRCh38, 1-based): chr14:77,285,542, G>T on the plus strand (C>A on the coding strand, the complement: POMT2 is on the minus strand). VCF-style: chr14-77285542-G-T. GRCh37 (hg19) VCF-style: chr14-77751885-G-T.
Other names: short protein forms R475S.
Identifiers: ClinVar variation 1385128 (VCV001385128.6), dbSNP rs746000047, ClinGen allele CA390517425.

ClinVar aggregate classification (germline): Uncertain significance (1 of 4 stars; one submission).

Conditions:
Muscular dystrophy-dystroglycanopathy (congenital with brain and eye anomalies), type A2. Also called: MUSCULAR DYSTROPHY-DYSTROGLYCANOPATHY (CONGENITAL WITH BRAIN AND EYE ANOMALIES), TYPE A, 2; WALKER-WARBURG SYNDROME OR MUSCLE-EYE-BRAIN DISEASE, POMT2-RELATED. Identifiers: Orphanet 588, Orphanet 899, MedGen C3150411, MONDO:0013154, OMIM 613150.
Autosomal recessive limb-girdle muscular dystrophy type 2N. Also called: MUSCULAR DYSTROPHY-DYSTROGLYCANOPATHY, LIMB-GIRDLE, POMT2-RELATED; Muscular dystrophy-dystroglycanopathy (limb-girdle), type C, 2. Identifiers: Orphanet 206559, MedGen C3150418, MONDO:0013162, OMIM 613158.
Muscular dystrophy-dystroglycanopathy (congenital with impaired intellectual development), type B, 2. Also called: MUSCULAR DYSTROPHY, CONGENITAL, POMT2-RELATED; Muscular dystrophy-dystroglycanopathy (congenital with intellectual disability), type B2. Identifiers: MedGen C3150416, MONDO:0013160, OMIM 613156.

Submission:

Labcorp Genetics (formerly Invitae), Labcorp
Classification: Uncertain significance for Muscular dystrophy-dystroglycanopathy (congenital with impaired intellectual development), type B, 2; Muscular dystrophy-dystroglycanopathy (congenital with brain and eye anomalies), type A2; Autosomal recessive limb-girdle muscular dystrophy type 2N. Last evaluated: 2022-03-08. Review status: criteria provided, single submitter. Criteria: Invitae Variant Classification Sherloc (09022015). Collection method: clinical testing. Allele origin: germline.
Comment: In summary, the available evidence is currently insufficient to determine the role of this variant in disease. Therefore, it has been classified as a Variant of Uncertain Significance. Algorithms developed to predict the effect of missense changes on protein structure and function (SIFT, PolyPhen-2, Align-GVGD) all suggest that this variant is likely to be disruptive. This variant has not been reported in the literature in individuals affected with POMT2-related conditions. This variant is not present in population databases (gnomAD no frequency). This sequence change replaces arginine, which is basic and polar, with serine, which is neutral and polar, at codon 475 of the POMT2 protein (p.Arg475Ser).